The following is an entry in ClinVar:

ClinVar aggregate classification (germline): Pathogenic (1 of 4 stars; one submission).

Conditions:
Nemaline myopathy 2 (NEM2). Also called: Nemaline myopathy 2, autosomal recessive. Identifiers: MedGen C1850569, MONDO:0009725, OMIM 256030.

Submission:

Labcorp Genetics (formerly Invitae), Labcorp
Classification: Pathogenic for Nemaline myopathy 2. Last evaluated: 2021-12-01. Review status: criteria provided, single submitter. Criteria: Invitae Variant Classification Sherloc (09022015). Collection method: clinical testing. Allele origin: germline.
Comment: For these reasons, this variant has been classified as Pathogenic. This variant has not been reported in the literature in individuals affected with NEB-related conditions. This variant is not present in population databases (gnomAD no frequency). This sequence change creates a premature translational stop signal (p.Lys1782Asnfs*17) in the NEB gene. It is expected to result in an absent or disrupted protein product. Loss-of-function variants in NEB are known to be pathogenic (PMID: 25205138).

Literature cited by the submitters: PubMed 25205138.

NM_001164508.2(NEB):c.5346del (p.Lys1782fs)

Gene: NEB (nebulin; minus strand). Cytogenetic location: 2q23.3.
Variant type: Deletion.
Coding change: c.5346del on transcript NM_001164508.2 (MANE Select); coding-DNA position 5346, one base deleted (A; older notation c.5346delA).
Protein change: p.Lys1782fs; shifts the reading frame from lysine 1782.
Molecular consequence: frameshift variant.
Genome position (GRCh38, 1-based): chr2:151,664,606, T deleted on the plus strand (A on the coding strand, the reverse complement: NEB is on the minus strand); the first of 3 consecutive T bases (chr2:151,664,606-151,664,608); deleting any one gives the same sequence. VCF-style (leftmost placement, unchanged base first): chr2-151664605-GT-G. GRCh37 (hg19) VCF-style: chr2-152521119-GT-G.
Other names: c.5346del, p.Lys1782fs (NM_001164507.2, NM_001271208.2, NM_004543.5); short protein forms K1782fs.
Identifiers: ClinVar variation 1451381 (VCV001451381.6), dbSNP rs2154174916, ClinGen allele CA2573133251.